The following is an entry in ClinVar:

ClinVar aggregate classification (germline): Conflicting classifications of pathogenicity. Review status: criteria provided, conflicting classifications (1 of 4 stars). 3 submissions from 3 submitters: Uncertain significance (1); Likely benign (1). 1 of the submissions does not count toward it. Last evaluated 2025-05-29.

Conditions:
FREM1-related disorder. Also called: FREM1-Related Disorders; FREM1-related condition.

Allele frequency attached by ClinVar (database versions not stated): 1000 Genomes Project 30x 0.00062; gnomAD exomes 0.00018; gnomAD 0.00050 and 0.00052; ExAC 0.00026; ESP Exome Variant Server 0.00066; 1000 Genomes Project 0.00080; TOPMed 0.00051.
gnomAD v4.1: 284 of 1,613,668 alleles (0.018%); highest among the groups gnomAD compares: African/African-American, 0.18%; no homozygotes.

Submissions (3):

Labcorp Genetics (formerly Invitae), Labcorp
Classification: Likely benign. Last evaluated: 2025-05-29. Review status: criteria provided, single submitter. Criteria: Invitae Variant Classification Sherloc (09022015). Collection method: clinical testing. Allele origin: germline.

Eurofins Ntd Llc (ga)
Classification: Uncertain significance. Last evaluated: 2015-03-02. Review status: criteria provided, single submitter. Criteria: EGL Classification Definitions 2015. Collection method: clinical testing. Allele origin: germline. Observed: 1 variant allele, 1 heterozygote.

PreventionGenetics, part of Exact Sciences
Classification: Likely benign for FREM1-related condition. Last evaluated: 2022-02-25. Review status: no assertion criteria provided. Collection method: clinical testing. Allele origin: germline. Not counted in ClinVar's aggregate classification.
Comment: This variant is classified as likely benign based on ACMG/AMP sequence variant interpretation guidelines (Richards et al. 2015 PMID: 25741868, with internal and published modifications).

NM_001379081.2(FREM1):c.541C>T (p.Arg181Trp)

Gene: FREM1 (FRAS1 related extracellular matrix 1; minus strand). Cytogenetic location: 9p22.3.
Variant type: single nucleotide variant.
Coding change: c.541C>T on transcript NM_001379081.2 (MANE Select); coding-DNA position 541, C replaced by T.
Protein change: p.Arg181Trp; replaces arginine 181 with tryptophan.
Molecular consequence: missense variant. On other transcripts: non-coding transcript variant (4).
Genome position (GRCh38, 1-based): chr9:14,859,273, G>A on the plus strand (C>T on the coding strand, the complement: FREM1 is on the minus strand). VCF-style: chr9-14859273-G-A. GRCh37 (hg19) VCF-style: chr9-14859271-G-A.
Other names: c.541C>T (NM_144966.5); c.541C>T, p.Arg181Trp (NM_001370060.1, NM_001370063.1, NM_001370065.1 and 1 more transcripts); short protein forms R181W.
Identifiers: ClinVar variation 197871 (VCV000197871.10), dbSNP rs200482899, ClinGen allele CA246254.